The following is an entry in ClinVar:

NM_000153.4(GALC):c.1594C>T (p.Gln532Ter)

Gene: GALC (galactosylceramidase; minus strand). Cytogenetic location: 14q31.3.
Variant type: single nucleotide variant.
Coding change: c.1594C>T on transcript NM_000153.4 (MANE Select); coding-DNA position 1594, C replaced by T.
Protein change: p.Gln532Ter; replaces glutamine 532 with a stop codon.
Molecular consequence: nonsense.
Genome position (GRCh38, 1-based): chr14:87,945,629, G>A on the plus strand (C>T on the coding strand, the complement: GALC is on the minus strand). VCF-style: chr14-87945629-G-A. GRCh37 (hg19) VCF-style: chr14-88411973-G-A.
Other names: c.1426C>T, p.Gln476Ter (NM_001424072.1, NM_001424073.1, NM_001424071.1); c.1246C>T, p.Gln416Ter (NM_001424074.1, NM_001424075.1); c.961C>T, p.Gln321Ter (NM_001424076.1, NM_001424077.1); c.1525C>T, p.Gln509Ter (NM_001201401.2); c.1516C>T, p.Gln506Ter (NM_001201402.2); short protein forms Q321*, Q416*, Q476*, Q506*, Q509*, Q532*.
Identifiers: ClinVar variation 4068195 (VCV004068195.2).

ClinVar aggregate classification (germline): Likely pathogenic (1 of 4 stars; one submission).

Conditions:
Galactosylceramide beta-galactosidase deficiency. Also called: Leukodystrophy, Globoid Cell; Krabbe Disease; GALACTOCEREBROSIDASE DEFICIENCY; GALC DEFICIENCY; GLOBOID CELL LEUKOENCEPHALOPATHY. Identifiers: Orphanet 487, MedGen C0023521, MONDO:0009499, OMIM 245200.

Submission:

Natera, Inc.
Classification: Likely pathogenic for Galactosylceramide beta-galactosidase deficiency. Last evaluated: 2025-05-22. Review status: criteria provided, single submitter. Criteria: Natera Variant Classification Schema (03/2026). Collection method: clinical testing. Allele origin: germline.
Comment: The c.1594C>T variant in GALC is a nonsense variant predicted to introduce a stop codon at amino acid 532. This variant is expected to result in nonsense mediated decay, truncation, or a dysfunctional protein product. This variant is rare in the general population with a frequency below the threshold expected for the associated phenotype(s). Given the available evidence, this variant is classified as Likely Pathogenic.